The following is an entry in ClinVar:

NM_018979.4(WNK1):c.65C>T (p.Ala22Val)

Gene: WNK1 (WNK lysine deficient protein kinase 1; plus strand). Cytogenetic location: 12p13.33.
Variant type: single nucleotide variant.
Coding change: c.65C>T on transcript NM_018979.4 (MANE Select); coding-DNA position 65, C replaced by T.
Protein change: p.Ala22Val; replaces alanine 22 with valine.
Molecular consequence: missense variant.
Genome position (GRCh38, 1-based): chr12:753,630, C>T. VCF-style: chr12-753630-C-T. GRCh37 (hg19) VCF-style: chr12-862796-C-T.
Other names: c.65C>T, p.Ala22Val (NM_001184985.2, NM_014823.3, NM_213655.5); short protein forms A22V.
Identifiers: ClinVar variation 471208 (VCV000471208.8), dbSNP rs1245390063, ClinGen allele CA383303542.
Genomic context (GRCh38, chr12:753,630, plus strand): 5'-CTGGCGGCGCCGCAGAGAAGCAGAGCAGCACTCCCGGTTCCCTGTTCCTCTCGCCGCCGG[C>T]TCCTGCCCCCAAGAATGGCTCCAGCTCCGATTCCTCCGTGGGGGAGAAACTGGGAGCCGC-3'
Protein context (NP_061852.3, residues 12-32): TPGSLFLSPP[Ala22Val]PAPKNGSSSD

ClinVar aggregate classification (germline): Uncertain significance (1 of 4 stars; one submission).

Conditions:
Neuropathy, hereditary sensory and autonomic, type 2A (HSAN2A). Also called: HSAN IIA; WNK1-Related HSAN2 (HSAN2A); ACROOSTEOLYSIS, GIACCAI TYPE; ACROOSTEOLYSIS, NEUROGENIC; MORVAN DISEASE; NEUROPATHY, CONGENITAL SENSORY. Identifiers: Orphanet 970, MedGen C2752089, MONDO:0024309, OMIM 201300.
Pseudohypoaldosteronism type 2C (PHA2C). Also called: Pseudohypoaldosteronism Type IIC. Identifiers: Orphanet 757, Orphanet 88940, MedGen C1840391, MONDO:0013778, OMIM 614492.

Allele frequency attached by ClinVar (database versions not stated): gnomAD exomes below 0.00001.
gnomAD v4.1: 2 of 1,612,834 alleles (0.00012%); highest among the groups gnomAD compares: Non-Finnish European, 0.00017%; no homozygotes.

Submission:

Labcorp Genetics (formerly Invitae), Labcorp
Classification: Uncertain significance for Neuropathy, hereditary sensory and autonomic, type 2A; Pseudohypoaldosteronism type 2C. Last evaluated: 2025-07-13. Review status: criteria provided, single submitter. Criteria: Invitae Variant Classification Sherloc (09022015). Collection method: clinical testing. Allele origin: germline.
Comment: This sequence change replaces alanine, which is neutral and non-polar, with valine, which is neutral and non-polar, at codon 22 of the WNK1 protein (p.Ala22Val). This variant is present in population databases (no rsID available, gnomAD 0.0009%). This variant has not been reported in the literature in individuals affected with WNK1-related conditions. ClinVar contains an entry for this variant (Variation ID: 471208). Invitae Evidence Modeling of protein sequence and biophysical properties (such as structural, functional, and spatial information, amino acid conservation, physicochemical variation, residue mobility, and thermodynamic stability) indicates that this missense variant is not expected to disrupt WNK1 protein function with a negative predictive value of 95%. In summary, the available evidence is currently insufficient to determine the role of this variant in disease. Therefore, it has been classified as a Variant of Uncertain Significance.